The following is an entry in ClinVar:

NM_006303.4(AIMP2):c.673C>G (p.His225Asp)

Genes: AIMP2 (aminoacyl tRNA synthetase complex interacting multifunctional protein 2; plus strand), EIF2AK1 (eukaryotic translation initiation factor 2 alpha kinase 1; minus strand). Cytogenetic location: 7p22.1.
Variant type: single nucleotide variant.
Coding change: c.673C>G on transcript NM_006303.4 (MANE Select); coding-DNA position 673, C replaced by G.
Protein change: p.His225Asp; replaces histidine 225 with aspartic acid.
Molecular consequence: missense variant. On other transcripts: 3 prime UTR variant (2).
Genome position (GRCh38, 1-based): chr7:6,023,401, C>G. VCF-style: chr7-6023401-C-G. GRCh37 (hg19) VCF-style: chr7-6063032-C-G.
Other names: c.673C>G (NM_006303.3); c.*1272G>C (NM_001134335.2, NM_014413.4); c.553C>G, p.His185Asp (NM_001326606.2); c.466C>G, p.His156Asp (NM_001326607.2); c.439C>G, p.His147Asp (NM_001326609.2, NM_001326610.2, NM_001326611.3); c.586C>G, p.His196Asp (NM_001362785.2); c.541C>G, p.His181Asp (NM_001362787.2); short protein forms H147D, H156D, H185D, H181D, H196D, H225D.
Identifiers: ClinVar variation 1948769 (VCV001948769.6), dbSNP rs369386259, ClinGen allele CA4150446.
Genomic context (GRCh38, chr7:6,023,401, plus strand): 5'-TGCCCCATCGAAGGCGAAGGGAACATTGCACGTTTCTTGTTCTCTCTGTTTGGCCAGAAG[C>G]ATAATGCTGTCAACGCAACCCTTATAGATAGCTGGGTAGATATTGCGATTTTTCAGTTAA-3'
Protein context (NP_006294.2, residues 215-235): RFLFSLFGQK[His225Asp]NAVNATLIDS

ClinVar aggregate classification (germline): Uncertain significance. Review status: criteria provided, multiple submitters, no conflicts (2 of 4 stars). 2 submissions from 2 submitters: Uncertain significance (2). Last evaluated 2025-05-28.

Conditions:
Inborn genetic diseases. Identifiers: MedGen C0950123, MeSH D030342.

Allele frequency attached by ClinVar (database versions not stated): ExAC 0.00002; gnomAD 0.00002; ESP Exome Variant Server 0.00008.
gnomAD v4.1: 17 of 1,614,084 alleles (0.0011%); highest among the groups gnomAD compares: Admixed American, 0.015%; no homozygotes.

Submissions (2):

Ambry Genetics
Classification: Uncertain significance for Inborn genetic diseases. Last evaluated: 2025-05-28. Review status: criteria provided, single submitter. Criteria: Ambry Variant Classification Scheme 2023. Collection method: clinical testing. Allele origin: germline.

Labcorp Genetics (formerly Invitae), Labcorp
Classification: Uncertain significance. Last evaluated: 2025-04-14. Review status: criteria provided, single submitter. Criteria: Invitae Variant Classification Sherloc (09022015). Collection method: clinical testing. Allele origin: germline.
Comment: This sequence change replaces histidine, which is basic and polar, with aspartic acid, which is acidic and polar, at codon 225 of the AIMP2 protein (p.His225Asp). This variant is present in population databases (rs369386259, gnomAD 0.03%). This variant has not been reported in the literature in individuals affected with AIMP2-related conditions. ClinVar contains an entry for this variant (Variation ID: 1948769). An algorithm developed to predict the effect of missense changes on protein structure and function (PolyPhen-2) suggests that this variant is likely to be tolerated. In summary, the available evidence is currently insufficient to determine the role of this variant in disease. Therefore, it has been classified as a Variant of Uncertain Significance.